The following is an entry in ClinVar:

ClinVar aggregate classification (germline): Uncertain significance (1 of 4 stars; one submission).

Submission:

GeneDx
Classification: Uncertain significance. Last evaluated: 2019-12-27. Review status: criteria provided, single submitter. Criteria: GeneDx Variant Classification Process June 2021. Collection method: clinical testing. Allele origin: germline. Affected: yes.
Comment: Not observed in large population cohorts (Lek et al., 2016); In silico analysis, which includes protein predictors and evolutionary conservation, supports a deleterious effect; Has not been previously published as pathogenic or benign to our knowledge

NM_001378452.1(ITPR1):c.3641T>G (p.Leu1214Arg)

Gene: ITPR1 (inositol 1,4,5-trisphosphate receptor type 1; plus strand). Cytogenetic location: 3p26.1.
Variant type: single nucleotide variant.
Coding change: c.3641T>G on transcript NM_001378452.1 (MANE Select); coding-DNA position 3641, T replaced by G.
Protein change: p.Leu1214Arg; replaces leucine 1214 with arginine.
Molecular consequence: missense variant.
Genome position (GRCh38, 1-based): chr3:4,685,145, T>G. VCF-style: chr3-4685145-T-G. GRCh37 (hg19) VCF-style: chr3-4726829-T-G.
Other names: c.3614T>G, p.Leu1205Arg (NM_001099952.4); c.3596T>G, p.Leu1199Arg (NM_001168272.2); c.3569T>G, p.Leu1190Arg (NM_002222.7); short protein forms L1190R, L1199R, L1205R, L1214R.
Identifiers: ClinVar variation 1311463 (VCV001311463.2), dbSNP rs2125235641, ClinGen allele CA351651609.